The following is an entry in ClinVar:

NM_001199753.2(CPT1C):c.1377C>T (p.Phe459=)

Gene: CPT1C (carnitine palmitoyltransferase 1C; plus strand). Cytogenetic location: 19q13.33.
Variant type: single nucleotide variant.
Coding change: c.1377C>T on transcript NM_001199753.2 (MANE Select); coding-DNA position 1377, C replaced by T.
Protein change: p.Phe459=; no amino-acid change (phenylalanine 459 retained).
Molecular consequence: synonymous variant. On other transcripts: non-coding transcript variant (1).
Genome position (GRCh38, 1-based): chr19:49,707,551, C>T. VCF-style: chr19-49707551-C-T. GRCh37 (hg19) VCF-style: chr19-50210808-C-T.
Other names: c.1344C>T, p.Phe448= (NM_001136052.3, NM_001378485.1, NM_001378487.1); c.1377C>T, p.Phe459= (NM_001199752.3, NM_001378483.1, NM_001378484.1 and 3 more transcripts); c.1443C>T, p.Phe481= (NM_001378482.1).
Identifiers: ClinVar variation 2192718 (VCV002192718.4), dbSNP rs763703232, ClinGen allele CA9582164.

ClinVar aggregate classification (germline): Uncertain significance (1 of 4 stars; one submission).

Conditions:
Hereditary spastic paraplegia 73. Also called: Spastic paraplegia 73, autosomal dominant. Identifiers: Orphanet 444099, MedGen C5568981, MONDO:0014568, OMIM 616282.

Allele frequency attached by ClinVar (database versions not stated): gnomAD exomes 0.00001; ExAC 0.00002.
gnomAD v4.1: 3 of 1,614,034 alleles (0.00019%); highest among the groups gnomAD compares: Admixed American, 0.005%; no homozygotes.

Submission:

Labcorp Genetics (formerly Invitae), Labcorp
Classification: Uncertain significance for Hereditary spastic paraplegia 73. Last evaluated: 2023-12-11. Review status: criteria provided, single submitter. Criteria: Invitae Variant Classification Sherloc (09022015). Collection method: clinical testing. Allele origin: germline.
Comment: This sequence change affects codon 448 of the CPT1C mRNA. It is a 'silent' change, meaning that it does not change the encoded amino acid sequence of the CPT1C protein. This variant is present in population databases (rs763703232, gnomAD 0.006%). This variant has not been reported in the literature in individuals affected with CPT1C-related conditions. ClinVar contains an entry for this variant (Variation ID: 2192718). Algorithms developed to predict the effect of sequence changes on RNA splicing suggest that this variant may disrupt the consensus splice site. In summary, the available evidence is currently insufficient to determine the role of this variant in disease. Therefore, it has been classified as a Variant of Uncertain Significance.